The following is an entry in ClinVar:

NM_001204.7(BMPR2):c.2035G>A (p.Glu679Lys)

Gene: BMPR2 (bone morphogenetic protein receptor type 2; plus strand). Cytogenetic location: 2q33.2.
Variant type: single nucleotide variant.
Coding change: c.2035G>A on transcript NM_001204.7 (MANE Select); coding-DNA position 2035, G replaced by A.
Protein change: p.Glu679Lys; replaces glutamic acid 679 with lysine.
Molecular consequence: missense variant.
Genome position (GRCh38, 1-based): chr2:202,555,700, G>A. VCF-style: chr2-202555700-G-A. GRCh37 (hg19) VCF-style: chr2-203420423-G-A.
Other names: short protein forms E679K.
Identifiers: ClinVar variation 5033107 (VCV005033107.1).

ClinVar aggregate classification (germline): Uncertain significance (1 of 4 stars; one submission).

Conditions:
Inborn genetic diseases. Identifiers: MedGen C0950123, MeSH D030342.

Submission:

Ambry Genetics
Classification: Uncertain significance for Inborn genetic diseases. Last evaluated: 2026-08-04. Review status: criteria provided, single submitter. Criteria: Ambry Variant Classification Scheme 2023. Collection method: clinical testing. Allele origin: germline.
Comment: The p.E679K variant (also known as c.2035G>A), located in coding exon 12 of the BMPR2 gene, results from a G to A substitution at nucleotide position 2035. The glutamic acid at codon 679 is replaced by lysine, an amino acid with similar properties. This amino acid position is conserved. In addition, this alteration is predicted to be deleterious by in silico analysis. Based on the available evidence, the clinical significance of this variant remains unclear.